The following is an entry in ClinVar:

NM_003995.4(NPR2):c.832C>T (p.Arg278Cys)

Gene: NPR2 (natriuretic peptide receptor 2; plus strand). Cytogenetic location: 9p13.3.
Variant type: single nucleotide variant.
Coding change: c.832C>T on transcript NM_003995.4 (MANE Select); coding-DNA position 832, C replaced by T.
Protein change: p.Arg278Cys; replaces arginine 278 with cysteine.
Molecular consequence: missense variant.
Genome position (GRCh38, 1-based): chr9:35,794,062, C>T. VCF-style: chr9-35794062-C-T. GRCh37 (hg19) VCF-style: chr9-35794059-C-T.
Other names: c.832C>T, p.Arg278Cys (NM_001378923.1); short protein forms R278C.
Identifiers: ClinVar variation 2931737 (VCV002931737.3), dbSNP rs1192585936, ClinGen allele CA373367818.
Genomic context (GRCh38, chr9:35,794,062, plus strand): 5'-TTTGGGGAGAGTCTCCGTGCAGGCCCCACACGTGCTACAGGCCGGCCCTGGCAGGACAAT[C>T]GCACCCGGGAACAGGCCCAGGCCCTCAGAGAGGCCTTTCAGGTATCATTTGAGCCAAATC-3'
Protein context (NP_003986.2, residues 268-288): RATGRPWQDN[Arg278Cys]TREQAQALRE

ClinVar aggregate classification (germline): Uncertain significance (1 of 4 stars; one submission).

Conditions:
Acromesomelic dysplasia 1, Maroteaux type (AMD1). Also called: ACROMESOMELIC DYSPLASIA 1; ST. HELENA DYSPLASIA. Identifiers: Orphanet 40, MedGen C1864356, MONDO:0011275, OMIM 602875.
Tall stature-scoliosis-macrodactyly of the great toes syndrome. Also called: Epiphyseal chondrodysplasia, miura type. Identifiers: Orphanet 329191, MedGen C4014690, MONDO:0014401, OMIM 615923.

Allele frequency attached by ClinVar (database versions not stated): gnomAD 0.00001; gnomAD exomes 0.00001; TOPMed 0.00001.
gnomAD v4.1: 10 of 1,614,070 alleles (0.00062%); highest among the groups gnomAD compares: Admixed American, 0.01%; no homozygotes.

Submission:

Labcorp Genetics (formerly Invitae), Labcorp
Classification: Uncertain significance for Tall stature-scoliosis-macrodactyly of the great toes syndrome; Acromesomelic dysplasia 1, Maroteaux type. Last evaluated: 2025-04-26. Review status: criteria provided, single submitter. Criteria: Invitae Variant Classification Sherloc (09022015). Collection method: clinical testing. Allele origin: germline.
Comment: This sequence change replaces arginine, which is basic and polar, with cysteine, which is neutral and slightly polar, at codon 278 of the NPR2 protein (p.Arg278Cys). This variant is present in population databases (no rsID available, gnomAD 0.01%). This variant has not been reported in the literature in individuals affected with NPR2-related conditions. ClinVar contains an entry for this variant (Variation ID: 2931737). An algorithm developed to predict the effect of missense changes on protein structure and function (PolyPhen-2) suggests that this variant is likely to be tolerated. In summary, the available evidence is currently insufficient to determine the role of this variant in disease. Therefore, it has been classified as a Variant of Uncertain Significance.